The following is an entry in ClinVar:

ClinVar aggregate classification (germline): Likely benign. Review status: criteria provided, multiple submitters, no conflicts (2 of 4 stars). 2 submissions from 2 submitters: Likely benign (2). Last evaluated 2026-06-01.

Conditions:
Inborn genetic diseases. Identifiers: MedGen C0950123, MeSH D030342.

Allele frequency attached by ClinVar (database versions not stated): ExAC 0.00010; gnomAD 0.00010; TOPMed 0.00014.
gnomAD v4.1: 305 of 1,613,702 alleles (0.019%); highest among the groups gnomAD compares: Non-Finnish European, 0.025%; no homozygotes.

Submissions (2):

CeGaT Center for Human Genetics Tuebingen
Classification: Likely benign. Last evaluated: 2026-06-01. Review status: criteria provided, single submitter. Criteria: CeGaT Center For Human Genetics Tuebingen Variant Classification Criteria Version 2. Collection method: clinical testing. Allele origin: germline. Affected: yes. Observed: 3 variant alleles.
Comment: ZNF292: BP4, BS2

Ambry Genetics
Classification: Likely benign for Inborn genetic diseases. Last evaluated: 2022-09-29. Review status: criteria provided, single submitter. Criteria: Ambry Variant Classification Scheme 2023. Collection method: clinical testing. Allele origin: germline.

NM_015021.3(ZNF292):c.3602C>T (p.Thr1201Ile)

Gene: ZNF292 (zinc finger protein 292; plus strand). Cytogenetic location: 6q14.3.
Variant type: single nucleotide variant.
Coding change: c.3602C>T on transcript NM_015021.3 (MANE Select); coding-DNA position 3602, C replaced by T.
Protein change: p.Thr1201Ile; replaces threonine 1201 with isoleucine.
Molecular consequence: missense variant.
Genome position (GRCh38, 1-based): chr6:87,257,231, C>T. VCF-style: chr6-87257231-C-T. GRCh37 (hg19) VCF-style: chr6-87966949-C-T.
Other names: c.3182C>T, p.Thr1061Ile (NM_001351444.2); short protein forms T1201I, T1061I.
Identifiers: ClinVar variation 2298324 (VCV002298324.26), dbSNP rs780800206, ClinGen allele CA3914145.